The following is an entry in ClinVar:

NM_000477.7(ALB):c.323A>G (p.Tyr108Cys)

Gene: ALB (albumin; plus strand). Cytogenetic location: 4q13.3.
Variant type: single nucleotide variant.
Coding change: c.323A>G on transcript NM_000477.7 (MANE Select); coding-DNA position 323, A replaced by G.
Protein change: p.Tyr108Cys; replaces tyrosine 108 with cysteine.
Molecular consequence: missense variant.
Genome position (GRCh38, 1-based): chr4:73,408,646, A>G. VCF-style: chr4-73408646-A-G. GRCh37 (hg19) VCF-style: chr4-74274363-A-G.
Other names: short protein forms Y108C.
Identifiers: ClinVar variation 349618 (VCV000349618.8), dbSNP rs142714816, ClinGen allele CA2959342.

ClinVar aggregate classification (germline): Conflicting classifications of pathogenicity. Review status: criteria provided, conflicting classifications (1 of 4 stars). 2 submissions from 2 submitters: Uncertain significance (1); Likely benign (1). Last evaluated 2024-11-22.

Conditions:
Hyperthyroxinemia, familial dysalbuminemic (FDAH). Also called: EUTHYROID HYPERTHYROXINEMIA 1. Identifiers: MedGen C0342185, MONDO:0014448, OMIM 615999.

Allele frequency attached by ClinVar (database versions not stated): ExAC 0.00044; gnomAD exomes 0.00052; 1000 Genomes Project 0.00060; 1000 Genomes Project 30x 0.00062; TOPMed 0.00068; ESP Exome Variant Server 0.00077.
gnomAD v4.1: 1,124 of 1,614,064 alleles (0.07%); highest among the groups gnomAD compares: Admixed American, 0.11%; no homozygotes.

Submissions (2):

Labcorp Genetics (formerly Invitae), Labcorp
Classification: Uncertain significance. Last evaluated: 2024-11-22. Review status: criteria provided, single submitter. Criteria: Invitae Variant Classification Sherloc (09022015). Collection method: clinical testing. Allele origin: germline.
Comment: This sequence change replaces tyrosine, which is neutral and polar, with cysteine, which is neutral and slightly polar, at codon 108 of the ALB protein (p.Tyr108Cys). This variant is present in population databases (rs142714816, gnomAD 0.1%), and has an allele count higher than expected for a pathogenic variant. This variant has not been reported in the literature in individuals affected with ALB-related conditions. ClinVar contains an entry for this variant (Variation ID: 349618). Invitae Evidence Modeling of protein sequence and biophysical properties (such as structural, functional, and spatial information, amino acid conservation, physicochemical variation, residue mobility, and thermodynamic stability) indicates that this missense variant is expected to disrupt ALB protein function with a positive predictive value of 80%. In summary, the available evidence is currently insufficient to determine the role of this variant in disease. Therefore, it has been classified as a Variant of Uncertain Significance.

Illumina Laboratory Services, Illumina
Classification: Likely benign for Hyperthyroxinemia, familial dysalbuminemic. Last evaluated: 2018-01-12. Review status: criteria provided, single submitter. Criteria: ICSL Variant Classification Criteria 13 December 2019. Collection method: clinical testing. Allele origin: germline.
Comment: This variant was observed in the ICSL laboratory as part of a predisposition screen in an ostensibly healthy population. It had not been previously curated by ICSL or reported in the Human Gene Mutation Database (HGMD: prior to June 1st, 2018), and was therefore a candidate for classification through an automated scoring system. Utilizing variant allele frequency, disease prevalence and penetrance estimates, and inheritance mode, an automated score was calculated to assess if this variant is too frequent to cause the disease. Based on the score and internal cut-off values, a variant classified as likely benign is not then subjected to further curation. The score for this variant resulted in a classification of likely benign for this disease.